The following is an entry in ClinVar:

NM_002788.4(PSMA3):c.221T>C (p.Val74Ala)

Gene: PSMA3 (proteasome 20S subunit alpha 3; plus strand). Cytogenetic location: 14q23.1.
Variant type: single nucleotide variant.
Coding change: c.221T>C on transcript NM_002788.4 (MANE Select); coding-DNA position 221, T replaced by C.
Protein change: p.Val74Ala; replaces valine 74 with alanine.
Molecular consequence: missense variant. On other transcripts: non-coding transcript variant (1).
Genome position (GRCh38, 1-based): chr14:58,252,235, T>C. VCF-style: chr14-58252235-T-C. GRCh37 (hg19) VCF-style: chr14-58718953-T-C.
Other names: c.221T>C, p.Val74Ala (NM_152132.3); short protein forms V74A.
Identifiers: ClinVar variation 1920959 (VCV001920959.5), dbSNP rs2502941185, ClinGen allele CA389847797.

ClinVar aggregate classification (germline): Uncertain significance (1 of 4 stars; one submission).

Allele frequency attached by ClinVar (database versions not stated): gnomAD exomes below 0.00001.
gnomAD v4.1: 2 of 1,606,612 alleles (0.00012%); highest among the groups gnomAD compares: Non-Finnish European, 0.00017%; no homozygotes.

Submission:

Labcorp Genetics (formerly Invitae), Labcorp
Classification: Uncertain significance. Last evaluated: 2025-09-03. Review status: criteria provided, single submitter. Criteria: Invitae Variant Classification Sherloc (09022015). Collection method: clinical testing. Allele origin: germline.
Comment: This sequence change replaces valine, which is neutral and non-polar, with alanine, which is neutral and non-polar, at codon 74 of the PSMA3 protein (p.Val74Ala). This variant is not present in population databases (gnomAD no frequency). This variant has not been reported in the literature in individuals affected with PSMA3-related conditions. ClinVar contains an entry for this variant (Variation ID: 1920959). An algorithm developed to predict the effect of missense changes on protein structure and function (PolyPhen-2) suggests that this variant is likely to be tolerated. In summary, the available evidence is currently insufficient to determine the role of this variant in disease. Therefore, it has been classified as a Variant of Uncertain Significance.